The following is an entry in ClinVar:

ClinVar aggregate classification (germline): Pathogenic (1 of 4 stars; one submission).

Submission:

Labcorp Genetics (formerly Invitae), Labcorp
Classification: Pathogenic. Last evaluated: 2023-05-22. Review status: criteria provided, single submitter. Criteria: Invitae Variant Classification Sherloc (09022015). Collection method: clinical testing. Allele origin: germline.
Comment: A gross deletion of the genomic region encompassing the full coding sequence of the PTH gene has been identified. Loss-of-function variants in PTH are known to be pathogenic (PMID: 1302009, 22722080). The boundaries of this event are unknown as they extend beyond the assayed region for this gene and therefore may encompass additional genes. A similar copy number variant has been observed in individual(s) with autosomal recessive hypoparathyroidism (Invitae). For these reasons, this variant has been classified as Pathogenic.

Literature cited by the submitters: PubMed 1302009; PubMed 22722080.

NC_000011.9:g.(?_13513952)_(13514402_?)del

Gene: PTH (parathyroid hormone; minus strand). Cytogenetic location: 11p15.2.
Variant type: Deletion.
Identifiers: ClinVar variation 2422867 (VCV002422867.4).